The following is an entry in ClinVar:

ClinVar aggregate classification (germline): Uncertain significance. Review status: criteria provided, multiple submitters, no conflicts (2 of 4 stars). 2 submissions from 2 submitters: Uncertain significance (2). Last evaluated 2025-11-18.

Conditions:
Hereditary cancer-predisposing syndrome. Also called: Neoplastic Syndromes, Hereditary; Hereditary Cancer Syndrome; Tumor predisposition; Hereditary neoplastic syndrome. Identifiers: Orphanet 140162, MedGen C0027672, MeSH D009386, MONDO:0015356.
Fanconi anemia (FA). Also called: Fanconi's anemia. Identifiers: Orphanet 84, MedGen C0015625, MeSH D005199, MONDO:0019391.

Submissions (2):

Labcorp Genetics (formerly Invitae), Labcorp
Classification: Uncertain significance for Fanconi anemia. Last evaluated: 2025-11-18. Review status: criteria provided, single submitter. Criteria: Invitae Variant Classification Sherloc (09022015). Collection method: clinical testing. Allele origin: germline.
Comment: This sequence change replaces serine, which is neutral and polar, with asparagine, which is neutral and polar, at codon 9 of the FANCC protein (p.Ser9Asn). Information on the frequency of this variant in the gnomAD database is not available, as this variant may be reported differently in the database. This variant has not been reported in the literature in individuals affected with FANCC-related conditions. ClinVar contains an entry for this variant (Variation ID: 2446908). An algorithm developed to predict the effect of missense changes on protein structure and function (PolyPhen-2) suggests that this variant is likely to be disruptive. In summary, the available evidence is currently insufficient to determine the role of this variant in disease. Therefore, it has been classified as a Variant of Uncertain Significance.

Ambry Genetics
Classification: Uncertain significance for Hereditary cancer-predisposing syndrome. Last evaluated: 2022-12-21. Review status: criteria provided, single submitter. Criteria: Ambry Variant Classification Scheme 2023. Collection method: clinical testing. Allele origin: germline.
Comment: The c.25_26delTCinsAA variant, located in coding exon 1 of the FANCC gene, results from an in-frame deletion of TC and insertion of AA at nucleotide positions 25 to 26. This results in the substitution of the serine residue for an asparagine residue at codon 9, an amino acid with highly similar properties. This amino acid position is poorly conserved in available vertebrate species. In addition, this alteration is predicted to be neutral by in silico analysis (Choi Y et al. PLoS ONE. 2012; 7(10):e46688). Since supporting evidence is limited at this time, the clinical significance of this alteration remains unclear.

NM_000136.3(FANCC):c.25_26delinsAA (p.Ser9Asn)

Gene: FANCC (FA complementation group C; minus strand). Cytogenetic location: 9q22.32.
Variant type: Indel.
Coding change: c.25_26delinsAA on transcript NM_000136.3 (MANE Select); coding-DNA positions 25 to 26, TC replaced by AA.
Protein change: p.Ser9Asn; replaces serine 9 with asparagine.
Molecular consequence: missense variant.
Genome position (GRCh38, 1-based): chr9:95,249,266-95,249,267, GA replaced by TT on the plus strand (TC replaced by AA on the coding strand, the reverse complement: FANCC is on the minus strand). VCF-style: chr9-95249266-GA-TT. GRCh37 (hg19) VCF-style: chr9-98011548-GA-TT.
Other names: c.25_26delinsAA, p.Ser9Asn (NM_001243743.2, NM_001243744.2); short protein forms S9N.
Identifiers: ClinVar variation 2446908 (VCV002446908.3), dbSNP rs2542863610, ClinGen allele CA2580080713.